The following is an entry in ClinVar:

NM_001211.6(BUB1B):c.451C>G (p.Leu151Val)

Gene: BUB1B (BUB1 mitotic checkpoint serine/threonine kinase B; plus strand). Cytogenetic location: 15q15.1.
Variant type: single nucleotide variant.
Coding change: c.451C>G on transcript NM_001211.6 (MANE Select); coding-DNA position 451, C replaced by G.
Protein change: p.Leu151Val; replaces leucine 151 with valine.
Molecular consequence: missense variant.
Genome position (GRCh38, 1-based): chr15:40,176,543, C>G. VCF-style: chr15-40176543-C-G. GRCh37 (hg19) VCF-style: chr15-40468744-C-G.
Other names: c.451C>G (NM_001211.5); short protein forms L151V.
Identifiers: ClinVar variation 1370770 (VCV001370770.7), dbSNP rs2140885458, ClinGen allele CA391681187.

ClinVar aggregate classification (germline): Uncertain significance. Review status: criteria provided, multiple submitters, no conflicts (2 of 4 stars). 2 submissions from 2 submitters: Uncertain significance (2). Last evaluated 2025-11-22.

Conditions:
Mosaic variegated aneuploidy syndrome 1 (MVA1). Also called: Warburton-Anyane-Yeboa syndrome. Identifiers: Orphanet 1052, MedGen C1850343, MONDO:0009759, OMIM 257300.
Inborn genetic diseases. Identifiers: MedGen C0950123, MeSH D030342.

Submissions (2):

Ambry Genetics
Classification: Uncertain significance for Inborn genetic diseases. Last evaluated: 2025-11-22. Review status: criteria provided, single submitter. Criteria: Ambry Variant Classification Scheme 2023. Collection method: clinical testing. Allele origin: germline.
Comment: The p.L151V variant (also known as c.451C>G), located in coding exon 5 of the BUB1B gene, results from a C to G substitution at nucleotide position 451. The leucine at codon 151 is replaced by valine, an amino acid with highly similar properties. This amino acid position is conserved. In addition, this alteration is predicted to be tolerated by in silico analysis. Based on the available evidence, the clinical significance of this variant remains unclear.

Labcorp Genetics (formerly Invitae), Labcorp
Classification: Uncertain significance for Mosaic variegated aneuploidy syndrome 1. Last evaluated: 2021-07-28. Review status: criteria provided, single submitter. Criteria: Invitae Variant Classification Sherloc (09022015). Collection method: clinical testing. Allele origin: germline.
Comment: In summary, the available evidence is currently insufficient to determine the role of this variant in disease. Therefore, it has been classified as a Variant of Uncertain Significance. Algorithms developed to predict the effect of sequence changes on RNA splicing suggest that this variant may create or strengthen a splice site. Algorithms developed to predict the effect of missense changes on protein structure and function are either unavailable or do not agree on the potential impact of this missense change (SIFT: "Tolerated"; PolyPhen-2: "Probably Damaging"; Align-GVGD: "Class C0"). This variant has not been reported in the literature in individuals affected with BUB1B-related conditions. This variant is not present in population databases (ExAC no frequency). This sequence change replaces leucine with valine at codon 151 of the BUB1B protein (p.Leu151Val). The leucine residue is moderately conserved and there is a small physicochemical difference between leucine and valine.